The following is an entry in ClinVar:

ClinVar aggregate classification (germline): Uncertain significance (1 of 4 stars; one submission).

Allele frequency attached by ClinVar (database versions not stated): TOPMed below 0.00001; gnomAD 0.00001.
gnomAD v4.1: 2 of 1,613,840 alleles (0.00012%); highest among the groups gnomAD compares: Admixed American, 0.0033%; no homozygotes.

Submission:

Labcorp Genetics (formerly Invitae), Labcorp
Classification: Uncertain significance. Last evaluated: 2023-05-12. Review status: criteria provided, single submitter. Criteria: Invitae Variant Classification Sherloc (09022015). Collection method: clinical testing. Allele origin: germline.
Comment: In summary, the available evidence is currently insufficient to determine the role of this variant in disease. Therefore, it has been classified as a Variant of Uncertain Significance. An algorithm developed to predict the effect of missense changes on protein structure and function (PolyPhen-2) suggests that this variant is likely to be tolerated. This variant has not been reported in the literature in individuals affected with GBF1-related conditions. This variant is not present in population databases (gnomAD no frequency). This sequence change replaces isoleucine, which is neutral and non-polar, with leucine, which is neutral and non-polar, at codon 540 of the GBF1 protein (p.Ile540Leu).

NM_001377137.1(GBF1):c.1621A>C (p.Ile541Leu)

Genes: GBF1 (golgi brefeldin A resistant guanine nucleotide exchange factor 1; plus strand), LOC129390225 (MPRA-validated peak1080 silencer; plus strand). Cytogenetic location: 10q24.32.
Variant type: single nucleotide variant.
Coding change: c.1621A>C on transcript NM_001377137.1 (MANE Select); coding-DNA position 1621, A replaced by C.
Protein change: p.Ile541Leu; replaces isoleucine 541 with leucine.
Molecular consequence: missense variant. On other transcripts: non-coding transcript variant (5), intron variant (2).
Genome position (GRCh38, 1-based): chr10:102,361,847, A>C. VCF-style: chr10-102361847-A-C. GRCh37 (hg19) VCF-style: chr10-104121604-A-C.
Other names: c.1621A>C, p.Ile541Leu (NM_001199378.2, NM_001391923.1, NM_001391926.1); c.1618A>C, p.Ile540Leu (NM_001199379.2, NM_001377138.1, NM_001377141.1 and 7 more transcripts); c.1717A>C, p.Ile573Leu (NM_001391922.1, NM_001411027.1); c.1240A>C, p.Ile414Leu (NM_001391931.1); c.1693A>C, p.Ile565Leu (NM_001411003.1); c.1390-628A>C (NM_001377139.1, NM_001377140.1); short protein forms I541L, I573L, I414L, I540L, I565L.
Identifiers: ClinVar variation 2833834 (VCV002833834.3), dbSNP rs2059619380, ClinGen allele CA377847424.
Genomic context (GRCh38, chr10:102,361,847, plus strand): 5'-ATGGCACTGGAGGCCATTGTGCAGCTCTGGCGCATCCCCAGCTTTGTCACAGAGCTCTAC[A>C]TCAACTATGATTGTGACTACTACTGTTCCAACCTCTTTGAGGAACTCACAAAGCTGCTGT-3'
Protein context (NP_001364066.1, residues 531-551): RIPSFVTELY[Ile541Leu]NYDCDYYCSN